The following is an entry in ClinVar:

NM_000883.4(IMPDH1):c.*544G>A

Gene: IMPDH1 (inosine monophosphate dehydrogenase 1; minus strand). Cytogenetic location: 7q32.1.
Variant type: single nucleotide variant.
Coding change: c.*544G>A on transcript NM_000883.4 (MANE Select); 544 bases downstream of the stop codon, G replaced by A.
Molecular consequence: 3 prime UTR variant.
Genome position (GRCh38, 1-based): chr7:128,392,463, C>T on the plus strand (G>A on the coding strand, the complement: IMPDH1 is on the minus strand). VCF-style: chr7-128392463-C-T. GRCh37 (hg19) VCF-style: chr7-128032517-C-T.
Other names: c.*544G>A (NM_001102605.2, NM_001142573.2, NM_001142574.2 and 4 more transcripts).
Identifiers: ClinVar variation 909778 (VCV000909778.4), dbSNP rs142941122, ClinGen allele CA166119297.

ClinVar aggregate classification (germline): Likely benign. Review status: criteria provided, single submitter (1 of 4 stars). 2 submissions from 1 submitter: Likely benign (2). Last evaluated 2018-01-13.

Conditions:
Retinitis pigmentosa (RP). Identifiers: Orphanet 791, MedGen C0035334, MeSH D012174, MONDO:0019200, OMIM 268000. Inheritance: Autosomal dominant, autosomal recessive and X linked inheritance.
Leber congenital amaurosis 11 (LCA11). Identifiers: Orphanet 65, MedGen C1840284, MONDO:0013454, OMIM 613837.

Allele frequency attached by ClinVar (database versions not stated): gnomAD 0.00004 and 0.00010; TOPMed 0.00004; 1000 Genomes Project 30x 0.00047; 1000 Genomes Project 0.00060.

Submissions (2):

Illumina Laboratory Services, Illumina
Classification: Likely benign for Retinitis pigmentosa. Last evaluated: 2018-01-13. Review status: criteria provided, single submitter. Criteria: ICSL Variant Classification Criteria 13 December 2019. Collection method: clinical testing. Allele origin: germline.
Comment: This variant was observed in the ICSL laboratory as part of a predisposition screen in an ostensibly healthy population. It had not been previously curated by ICSL or reported in the Human Gene Mutation Database (HGMD: prior to June 1st, 2018), and was therefore a candidate for classification through an automated scoring system. Utilizing variant allele frequency, disease prevalence and penetrance estimates, and inheritance mode, an automated score was calculated to assess if this variant is too frequent to cause the disease. Based on the score and internal cut-off values, a variant classified as likely benign is not then subjected to further curation. The score for this variant resulted in a classification of likely benign for this disease.

Illumina Laboratory Services, Illumina
Classification: Likely benign for Leber congenital amaurosis 11. Last evaluated: 2018-01-13. Review status: criteria provided, single submitter. Criteria: ICSL Variant Classification Criteria 13 December 2019. Collection method: clinical testing. Allele origin: germline.
Comment: the same text as in the submission from Illumina Laboratory Services, Illumina above.